The following is an entry in ClinVar:

ClinVar aggregate classification (germline): Conflicting classifications of pathogenicity. Review status: criteria provided, conflicting classifications (1 of 4 stars). 7 submissions from 7 submitters: Uncertain significance (1); Likely benign (5). 1 of the submissions does not count toward it. Last evaluated 2026-05-01.

Conditions:
ITGB2-related disorder. Also called: ITGB2-related condition.
Leukocyte adhesion deficiency 1 (LAD1). Also called: LEUKOCYTE ADHESION DEFICIENCY, TYPE I; LAD 1; Lymphocyte function-associated antigen 1 immunodeficiency; LFA 1 immunodeficiency. Identifiers: Orphanet 2968, Orphanet 99842, MedGen C0398738, MONDO:0007293, OMIM 116920.

Allele frequency attached by ClinVar (database versions not stated): 1000 Genomes Project 0.00020; TOPMed 0.00024; 1000 Genomes Project 30x 0.00031; gnomAD exomes 0.00033; gnomAD 0.00036; ExAC 0.00037; ESP Exome Variant Server 0.00077.
gnomAD v4.1: 481 of 1,613,726 alleles (0.03%); highest among the groups gnomAD compares: Non-Finnish European, 0.036%; 3 homozygotes.

Submissions (7):

CeGaT Center for Human Genetics Tuebingen
Classification: Likely benign. Last evaluated: 2026-05-01. Review status: criteria provided, single submitter. Criteria: CeGaT Center For Human Genetics Tuebingen Variant Classification Criteria Version 2. Collection method: clinical testing. Allele origin: germline. Affected: yes. Observed: 1 variant allele.
Comment: ITGB2: BP4, BP7

Labcorp Genetics (formerly Invitae), Labcorp
Classification: Likely benign for Leukocyte adhesion deficiency 1. Last evaluated: 2025-12-16. Review status: criteria provided, single submitter. Criteria: Invitae Variant Classification Sherloc (09022015). Collection method: clinical testing. Allele origin: germline.

Laboratory of Genetics, Children's Clinical University Hospital Latvia
Classification: Likely benign. Last evaluated: 2025-02-16. Review status: criteria provided, single submitter. Criteria: ACMG Guidelines, 2015. Collection method: clinical testing. Allele origin: germline. Affected: yes.

Blueprint Genetics
Classification: Likely benign. Last evaluated: 2024-11-28. Review status: criteria provided, single submitter. Criteria: ACMG Guidelines, 2015. Collection method: clinical testing. Allele origin: germline.

Illumina Laboratory Services, Illumina
Classification: Uncertain significance for Leukocyte adhesion deficiency 1. Last evaluated: 2018-01-13. Review status: criteria provided, single submitter. Criteria: ICSL Variant Classification Criteria 13 December 2019. Collection method: clinical testing. Allele origin: germline.

GeneDx
Classification: Likely benign. Last evaluated: 2017-06-02. Review status: criteria provided, single submitter. Criteria: GeneDx Variant Classification (06012015). Collection method: clinical testing. Allele origin: germline. Affected: yes.
Comment: This variant is considered likely benign or benign based on one or more of the following criteria: it is a conservative change, it occurs at a poorly conserved position in the protein, it is predicted to be benign by multiple in silico algorithms, and/or has population frequency not consistent with disease.

PreventionGenetics, part of Exact Sciences
Classification: Likely benign for ITGB2-related condition. Last evaluated: 2019-10-28. Review status: no assertion criteria provided. Collection method: clinical testing. Allele origin: germline. Not counted in ClinVar's aggregate classification.
Comment: This variant is classified as likely benign based on ACMG/AMP sequence variant interpretation guidelines (Richards et al. 2015 PMID: 25741868, with internal and published modifications).

NM_000211.5(ITGB2):c.2145C>T (p.Ile715=)

Gene: ITGB2 (integrin subunit beta 2; minus strand). Cytogenetic location: 21q22.3.
Variant type: single nucleotide variant.
Coding change: c.2145C>T on transcript NM_000211.5 (MANE Select); coding-DNA position 2145, C replaced by T.
Protein change: p.Ile715=; no amino-acid change (isoleucine 715 retained).
Molecular consequence: synonymous variant.
Genome position (GRCh38, 1-based): chr21:44,886,838, G>A on the plus strand (C>T on the coding strand, the complement: ITGB2 is on the minus strand). VCF-style: chr21-44886838-G-A. GRCh37 (hg19) VCF-style: chr21-46306753-G-A.
Other names: c.2145C>T (LRG_76t1); c.2145C>T, p.Ile715= (NM_001127491.3); c.1938C>T, p.Ile646= (NM_001303238.2).
Identifiers: ClinVar variation 340139 (VCV000340139.22), dbSNP rs144590448, ClinGen allele CA10062539.